The following is an entry in ClinVar:

ClinVar aggregate classification (germline): Uncertain significance (1 of 4 stars; one submission).

Conditions:
Dyskeratosis congenita, autosomal dominant 6 (DKCA6). Identifiers: Orphanet 3322, MedGen C4225284, MONDO:0014690, OMIM 616553.

gnomAD v4.1: 2 of 1,614,084 alleles (0.00012%); highest among the groups gnomAD compares: South Asian, 0.0011%; no homozygotes.

Submission:

Labcorp Genetics (formerly Invitae), Labcorp
Classification: Uncertain significance for Dyskeratosis congenita, autosomal dominant 6. Last evaluated: 2023-04-08. Review status: criteria provided, single submitter. Criteria: Invitae Variant Classification Sherloc (09022015). Collection method: clinical testing. Allele origin: germline.
Comment: In summary, the available evidence is currently insufficient to determine the role of this variant in disease. Therefore, it has been classified as a Variant of Uncertain Significance. Advanced modeling of protein sequence and biophysical properties (such as structural, functional, and spatial information, amino acid conservation, physicochemical variation, residue mobility, and thermodynamic stability) performed at Invitae indicates that this missense variant is expected to disrupt ACD protein function. ClinVar contains an entry for this variant (Variation ID: 1421129). This missense change has been observed in individual(s) with colorectal cancer (PMID: 29891727). This variant is present in population databases (no rsID available, gnomAD 0.003%). This sequence change replaces proline, which is neutral and non-polar, with leucine, which is neutral and non-polar, at codon 507 of the ACD protein (p.Pro507Leu).

Literature cited by the submitters: PubMed 29891727.

NM_001082486.2(ACD):c.1262C>T (p.Pro421Leu)

Gene: ACD (ACD shelterin complex subunit and telomerase recruitment factor; minus strand). Cytogenetic location: 16q22.1.
Variant type: single nucleotide variant.
Coding change: c.1262C>T on transcript NM_001082486.2 (MANE Select); coding-DNA position 1262, C replaced by T.
Protein change: p.Pro421Leu; replaces proline 421 with leucine.
Molecular consequence: missense variant.
Genome position (GRCh38, 1-based): chr16:67,657,798, G>A on the plus strand (C>T on the coding strand, the complement: ACD is on the minus strand). VCF-style: chr16-67657798-G-A. GRCh37 (hg19) VCF-style: chr16-67691701-G-A.
Other names: c.1253C>T, p.Pro418Leu (NM_022914.3); short protein forms P418L, P421L.
Identifiers: ClinVar variation 1421129 (VCV001421129.8), dbSNP rs149418249, ClinGen allele CA396349881.